The following is an entry in ClinVar:

ClinVar aggregate classification (germline): Likely pathogenic. Review status: criteria provided, multiple submitters, no conflicts (2 of 4 stars). 3 submissions from 3 submitters: Likely pathogenic (2). 1 of the submissions does not count toward it. Last evaluated 2024-11-12.

Conditions:
Biotinidase deficiency. Also called: BTD deficiency; Late-onset biotin-responsive multiple carboxylase deficiency; Biotin deficiency. Identifiers: Orphanet 79241, MedGen C0220754, MONDO:0009665, OMIM 253260.

Allele frequency attached by ClinVar (database versions not stated): gnomAD exomes below 0.00001; TOPMed below 0.00001; gnomAD 0.00001.
gnomAD v4.1: 3 of 1,614,050 alleles (0.00019%); highest among the groups gnomAD compares: East Asian, 0.0067%; no homozygotes.

Submissions (3):

Natera, Inc.
Classification: Likely pathogenic for Biotinidase deficiency. Last evaluated: 2024-11-12. Review status: criteria provided, single submitter. Criteria: Natera Variant Classification Schema (03/2026). Collection method: clinical testing. Allele origin: germline.
Comment: The c.360G>A variant in BTD is a nonsense variant predicted to introduce a stop codon at amino acid 120. This variant is expected to result in nonsense mediated decay, truncation, or a dysfunctional protein product. This variant is rare in the general population with a frequency below the threshold expected for the associated phenotype(s). This variant has been observed in one or more individuals affected with the associated recessive disease, as either homozygous or compound heterozygous with a second variant (PMID: 29359854). Given the available evidence, this variant is classified as Likely Pathogenic.

Juno Genomics, Hangzhou Juno Genomics, Inc
Classification: Likely pathogenic for Biotinidase deficiency. Review status: criteria provided, single submitter. Criteria: ACMG Guidelines, 2015. Collection method: clinical testing. Allele origin: germline.
Comment: Absent from controls (or at extremely low frequency if recessive) in Genome Aggregation Database.;Null variant in a gene where loss of function (LOF) is a known mechanism of disease.;Patient's phenotype or family history is highly specific for a disease with a single genetic etiology.

Counsyl
Classification: Likely pathogenic for Biotinidase deficiency. Last evaluated: 2018-02-14. Review status: no assertion criteria provided. Collection method: clinical testing. Allele origin: unknown. Not counted in ClinVar's aggregate classification.

Literature cited by the submitters: PubMed 29359854 (cited by Natera, Inc. and Counsyl).

NM_001370658.1(BTD):c.360G>A (p.Trp120Ter)

Gene: BTD (biotinidase; plus strand). Cytogenetic location: 3p25.1.
Variant type: single nucleotide variant.
Coding change: c.360G>A on transcript NM_001370658.1 (MANE Select); coding-DNA position 360, G replaced by A.
Protein change: p.Trp120Ter; replaces tryptophan 120 with a stop codon.
Molecular consequence: nonsense.
Genome position (GRCh38, 1-based): chr3:15,642,018, G>A. VCF-style: chr3-15642018-G-A. GRCh37 (hg19) VCF-style: chr3-15683525-G-A.
Other names: c.360G>A, p.Trp120Ter (NM_001281726.3, NM_001323582.2, NM_001370752.1 and 36 more transcripts); c.423G>A, p.Trp141Ter (NM_001407381.1); c.420G>A, p.Trp140Ter (NM_000060.4); short protein forms W120*, W141*.
Identifiers: ClinVar variation 556694 (VCV000556694.10), dbSNP rs1306944669, ClinGen allele CA351605672.
Genomic context (GRCh38, chr3:15,642,018, plus strand): 5'-TACAAGAACATCCATTTATCCATTTTTGGACTTCATGCCGTCTCCCCAGGTGGTCAGGTG[G>A]AACCCATGCCTGGAGCCTCACCGCTTCAATGACACAGAGGTGATTCCTGCCTTTTTCCTC-3'